The following is an entry in ClinVar:

NM_019066.5(MAGEL2):c.328G>A (p.Val110Met)

Gene: MAGEL2 (MAGE family member L2; minus strand). Cytogenetic location: 15q11.2.
Variant type: single nucleotide variant.
Coding change: c.328G>A on transcript NM_019066.5 (MANE Select); coding-DNA position 328, G replaced by A.
Protein change: p.Val110Met; replaces valine 110 with methionine.
Molecular consequence: missense variant.
Genome position (GRCh38, 1-based): chr15:23,647,415, C>T on the plus strand (G>A on the coding strand, the complement: MAGEL2 is on the minus strand). VCF-style: chr15-23647415-C-T. GRCh37 (hg19) VCF-style: chr15-23892562-C-T.
Other names: short protein forms V110M.
Identifiers: ClinVar variation 1714386 (VCV001714386.5), dbSNP rs2503984938, ClinGen allele CA391337446.

ClinVar aggregate classification (germline): Uncertain significance (1 of 4 stars; one submission).

Submission:

Labcorp Genetics (formerly Invitae), Labcorp
Classification: Uncertain significance. Last evaluated: 2022-09-27. Review status: criteria provided, single submitter. Criteria: Invitae Variant Classification Sherloc (09022015). Collection method: clinical testing. Allele origin: germline.
Comment: In summary, the available evidence is currently insufficient to determine the role of this variant in disease. Therefore, it has been classified as a Variant of Uncertain Significance. Experimental studies and prediction algorithms are not available or were not evaluated, and the functional significance of this variant is currently unknown. This variant has not been reported in the literature in individuals affected with MAGEL2-related conditions. This variant is not present in population databases (gnomAD no frequency). This sequence change replaces valine, which is neutral and non-polar, with methionine, which is neutral and non-polar, at codon 110 of the MAGEL2 protein (p.Val110Met).